The following is an entry in ClinVar:

ClinVar aggregate classification (germline): Uncertain significance (1 of 4 stars; one submission).

Conditions:
Familial cancer of breast. Also called: Hereditary breast cancer; BREAST CANCER, FAMILIAL; hereditary breast carcinoma. Identifiers: Orphanet 227535, MedGen C0346153, MONDO:0016419, OMIM 114480. Disease mechanism: loss of function.

Submission:

Labcorp Genetics (formerly Invitae), Labcorp
Classification: Uncertain significance for Familial cancer of breast. Last evaluated: 2022-02-17. Review status: criteria provided, single submitter. Criteria: Invitae Variant Classification Sherloc (09022015). Collection method: clinical testing. Allele origin: germline.
Comment: This variant has not been reported in the literature in individuals affected with PALB2-related conditions. This variant is not present in population databases (gnomAD no frequency). This sequence change replaces proline, which is neutral and non-polar, with alanine, which is neutral and non-polar, at codon 656 of the PALB2 protein (p.Pro656Ala). Algorithms developed to predict the effect of missense changes on protein structure and function output the following: SIFT: "Tolerated"; PolyPhen-2: "Benign"; Align-GVGD: "Class C0". The alanine amino acid residue is found in multiple mammalian species, which suggests that this missense change does not adversely affect protein function. In summary, the available evidence is currently insufficient to determine the role of this variant in disease. Therefore, it has been classified as a Variant of Uncertain Significance.

NM_024675.4(PALB2):c.1966C>G (p.Pro656Ala)

Gene: PALB2 (partner and localizer of BRCA2; minus strand). Cytogenetic location: 16p12.2.
Variant type: single nucleotide variant.
Coding change: c.1966C>G on transcript NM_024675.4 (MANE Select); coding-DNA position 1966, C replaced by G.
Protein change: p.Pro656Ala; replaces proline 656 with alanine.
Molecular consequence: missense variant.
Genome position (GRCh38, 1-based): chr16:23,630,188, G>C on the plus strand (C>G on the coding strand, the complement: PALB2 is on the minus strand). VCF-style: chr16-23630188-G-C. GRCh37 (hg19) VCF-style: chr16-23641509-G-C.
Other names: c.1906C>G, p.Pro636Ala (NM_001407296.1); c.1966C>G, p.Pro656Ala (NM_001407297.1, NM_001407298.1, NM_001407299.1 and 3 more transcripts); c.1081C>G, p.Pro361Ala (NM_001407304.1, NM_001407305.1, NM_001407306.1 and 5 more transcripts); c.178C>G, p.Pro60Ala (NM_001407312.1, NM_001407313.1); short protein forms P656A, P361A, P60A, P636A.
Identifiers: ClinVar variation 2097820 (VCV002097820.4), dbSNP rs2506428614, ClinGen allele CA395127334.